The following is an entry in ClinVar:

NM_000070.3(CAPN3):c.1030-1G>T

Gene: CAPN3 (calpain 3; plus strand). Cytogenetic location: 15q15.1.
Variant type: single nucleotide variant.
Coding change: c.1030-1G>T on transcript NM_000070.3 (MANE Select); the canonical splice acceptor site of the intron before coding-DNA position 1030, G replaced by T.
Molecular consequence: splice acceptor variant.
Genome position (GRCh38, 1-based): chr15:42,394,255, G>T. VCF-style: chr15-42394255-G-T. GRCh37 (hg19) VCF-style: chr15-42686453-G-T.
Other names: c.1030-1G>T (NM_024344.2); c.886-1G>T (NM_173087.2).
Identifiers: ClinVar variation 3241003 (VCV003241003.2), dbSNP rs1555421263.

ClinVar aggregate classification (germline): Pathogenic/Likely pathogenic. Review status: criteria provided, multiple submitters, no conflicts (2 of 4 stars). 2 submissions from 2 submitters: Pathogenic (1); Likely pathogenic (1). Last evaluated 2025-11-25.

Conditions:
Autosomal recessive limb-girdle muscular dystrophy type 2A (LGMDR1). Also called: Limb-girdle muscular dystrophy, type 2A; Calpainopathy; LEYDEN-MOEBIUS MUSCULAR DYSTROPHY; MUSCULAR DYSTROPHY, PELVOFEMORAL; Muscular dystrophy, limb-girdle, type 2A, Amish. Identifiers: Orphanet 267, MedGen C1869123, MONDO:0009675, OMIM 253600. Disease mechanism: loss of function.
Muscular dystrophy, limb-girdle, autosomal dominant 4. Also called: Calpain-3-related limb-girdle muscular dystrophy D4; MUSCULAR DYSTROPHY, LIMB-GIRDLE, TYPE 1I. Identifiers: Orphanet 565909, MedGen C4748295, MONDO:0029133, OMIM 618129.

gnomAD v4.1: 5 of 1,555,788 alleles (0.00032%); highest among the groups gnomAD compares: Non-Finnish European, 0.00044%; no homozygotes.

Submissions (2):

Labcorp Genetics (formerly Invitae), Labcorp
Classification: Pathogenic for Autosomal recessive limb-girdle muscular dystrophy type 2A. Last evaluated: 2025-11-25. Review status: criteria provided, single submitter. Criteria: Invitae Variant Classification Sherloc (09022015). Collection method: clinical testing. Allele origin: germline.
Comment: This sequence change affects an acceptor splice site in intron 7 of the CAPN3 gene. It is expected to disrupt RNA splicing. Variants that disrupt the donor or acceptor splice site typically lead to a loss of protein function (PMID: 16199547), and loss-of-function variants in CAPN3 are known to be pathogenic (PMID: 10330340, 15689361). This variant is not present in population databases (gnomAD no frequency). Disruption of this splice site has been observed in individual(s) with limb-girdle muscular dystrophy (PMID: 18854869). ClinVar contains an entry for this variant (Variation ID: 3241003). Algorithms developed to predict the effect of sequence changes on RNA splicing suggest that this variant may disrupt the consensus splice site. For these reasons, this variant has been classified as Pathogenic.

Baylor Genetics
Classification: Likely pathogenic for Muscular dystrophy, limb-girdle, autosomal dominant 4. Last evaluated: 2024-01-11. Review status: criteria provided, single submitter. Criteria: ACMG Guidelines, 2015. Collection method: clinical testing. Allele origin: unknown.

Literature cited by the submitters: PubMed 16199547 (cited by Labcorp Genetics (formerly Invitae), Labcorp); PubMed 10330340 (cited by Labcorp Genetics (formerly Invitae), Labcorp); PubMed 15689361 (cited by Labcorp Genetics (formerly Invitae), Labcorp); PubMed 18854869 (cited by Labcorp Genetics (formerly Invitae), Labcorp).